The following is an entry in ClinVar:

ClinVar aggregate classification (germline): Uncertain significance (1 of 4 stars; one submission).

gnomAD v4.1: 1 of 1,614,036 alleles (0.000062%); highest among the groups gnomAD compares: South Asian, 0.0011%; no homozygotes.

Submission:

Labcorp Genetics (formerly Invitae), Labcorp
Classification: Uncertain significance. Last evaluated: 2025-04-27. Review status: criteria provided, single submitter. Criteria: Invitae Variant Classification Sherloc (09022015). Collection method: clinical testing. Allele origin: germline.
Comment: This sequence change replaces alanine, which is neutral and non-polar, with threonine, which is neutral and polar, at codon 220 of the SLC1A3 protein (p.Ala220Thr). This variant is present in population databases (no rsID available, gnomAD 0.006%). This variant has not been reported in the literature in individuals affected with SLC1A3-related conditions. An algorithm developed to predict the effect of missense changes on protein structure and function (PolyPhen-2) suggests that this variant is likely to be tolerated. In summary, the available evidence is currently insufficient to determine the role of this variant in disease. Therefore, it has been classified as a Variant of Uncertain Significance.

NM_004172.5(SLC1A3):c.658G>A (p.Ala220Thr)

Genes: SLC1A3 (solute carrier family 1 member 3; plus strand), SLC1A3-AS1 (SLC1A3 antisense RNA 1; minus strand). Cytogenetic location: 5p13.2.
Variant type: single nucleotide variant.
Coding change: c.658G>A on transcript NM_004172.5 (MANE Select); coding-DNA position 658, G replaced by A.
Protein change: p.Ala220Thr; replaces alanine 220 with threonine.
Molecular consequence: missense variant. On other transcripts: intron variant (1).
Genome position (GRCh38, 1-based): chr5:36,676,982, G>A. VCF-style: chr5-36676982-G-A. GRCh37 (hg19) VCF-style: chr5-36677084-G-A.
Other names: c.658G>A, p.Ala220Thr (NM_001166695.3, NM_001438454.1, NM_001438455.1 and 4 more transcripts); c.520G>A, p.Ala174Thr (NM_001289939.2); c.376G>A, p.Ala126Thr (NM_001438460.1); c.358G>A, p.Ala120Thr (NM_001438461.1); c.337G>A, p.Ala113Thr (NM_001438462.1); c.525-2645G>A (NM_001289940.2); short protein forms A174T, A113T, A120T, A126T, A220T.
Identifiers: ClinVar variation 4769929 (VCV004769929.1).